The following is an entry in ClinVar:

ClinVar aggregate classification (germline): Uncertain significance (1 of 4 stars; one submission).

Conditions:
Arrhythmogenic right ventricular dysplasia 13. Also called: Arrhythmogenic right ventricular dysplasia, familial, 13; ARRHYTHMOGENIC RIGHT VENTRICULAR CARDIOMYOPATHY 13. Identifiers: MedGen C3810138, MONDO:0000908, OMIM 615616.

Submission:

Labcorp Genetics (formerly Invitae), Labcorp
Classification: Uncertain significance for Arrhythmogenic right ventricular dysplasia 13. Last evaluated: 2021-03-07. Review status: criteria provided, single submitter. Criteria: Invitae Variant Classification Sherloc (09022015). Collection method: clinical testing. Allele origin: germline.
Comment: In summary, the available evidence is currently insufficient to determine the role of this variant in disease. Therefore, it has been classified as a Variant of Uncertain Significance. This variant has not been reported in the literature in individuals with CTNNA3-related conditions. This variant is not present in population databases (ExAC no frequency). This sequence change creates a premature translational stop signal (p.Glu354Lysfs*6) in the CTNNA3 gene. It is expected to result in an absent or disrupted protein product. However, the current clinical and genetic evidence is not sufficient to establish whether loss-of-function variants in CTNNA3 cause disease.

NM_013266.4(CTNNA3):c.1059del (p.Glu354fs)

Gene: CTNNA3 (catenin alpha 3; minus strand). Cytogenetic location: 10q21.3.
Variant type: Deletion.
Coding change: c.1059del on transcript NM_013266.4 (MANE Select); coding-DNA position 1059, one base deleted (A; older notation c.1059delA).
Protein change: p.Glu354fs; shifts the reading frame from glutamic acid 354.
Molecular consequence: frameshift variant.
Genome position (GRCh38, 1-based): chr10:66,775,513, T deleted on the plus strand (A on the coding strand, the reverse complement: CTNNA3 is on the minus strand); the first of 7 consecutive T bases (chr10:66,775,513-66,775,519); deleting any one gives the same sequence. VCF-style (leftmost placement, unchanged base first): chr10-66775512-CT-C. GRCh37 (hg19) VCF-style: chr10-68535270-CT-C.
Other names: c.1059del, p.Glu354fs (NM_001127384.3); short protein forms E354fs.
Identifiers: ClinVar variation 1376919 (VCV001376919.6), dbSNP rs1351207870, ClinGen allele CA469964176.
Genomic context (GRCh38, chr10:66,775,512, plus strand): 5'-GAAGGTCTCTTGTCTTCTTACACATGTTGTCTAAAGCAATATTCAGGGTATTACTCCTTT[CT>C]TTTTTTCCAGCCTGCAAAGAAGAAAAAACGACATAAGCAATGGTATCAATTAATCTTTAT-3'